The following is an entry in ClinVar:

ClinVar aggregate classification (germline): Uncertain significance (1 of 4 stars; one submission).

Conditions:
Multiple gastrointestinal atresias. Also called: FAMILIAL INTESTINAL POLYATRESIA SYNDROME; Multiple intestinal atresia. Identifiers: Orphanet 2300, MedGen C0220744, MONDO:0009465.

Submission:

Labcorp Genetics (formerly Invitae), Labcorp
Classification: Uncertain significance for Multiple gastrointestinal atresias. Last evaluated: 2024-10-29. Review status: criteria provided, single submitter. Criteria: Invitae Variant Classification Sherloc (09022015). Collection method: clinical testing. Allele origin: germline.
Comment: This sequence change replaces glutamic acid, which is acidic and polar, with alanine, which is neutral and non-polar, at codon 404 of the TTC7A protein (p.Glu404Ala). This variant is not present in population databases (gnomAD no frequency). This variant has not been reported in the literature in individuals affected with TTC7A-related conditions. ClinVar contains an entry for this variant (Variation ID: 2121501). Invitae Evidence Modeling of protein sequence and biophysical properties (such as structural, functional, and spatial information, amino acid conservation, physicochemical variation, residue mobility, and thermodynamic stability) indicates that this missense variant is expected to disrupt TTC7A protein function with a positive predictive value of 80%. In summary, the available evidence is currently insufficient to determine the role of this variant in disease. Therefore, it has been classified as a Variant of Uncertain Significance.

NM_020458.4(TTC7A):c.1211A>C (p.Glu404Ala)

Gene: TTC7A (tetratricopeptide repeat domain 7A; plus strand). Cytogenetic location: 2p21.
Variant type: single nucleotide variant.
Coding change: c.1211A>C on transcript NM_020458.4 (MANE Select); coding-DNA position 1211, A replaced by C.
Protein change: p.Glu404Ala; replaces glutamic acid 404 with alanine.
Molecular consequence: missense variant.
Genome position (GRCh38, 1-based): chr2:47,006,648, A>C. VCF-style: chr2-47006648-A-C. GRCh37 (hg19) VCF-style: chr2-47233787-A-C.
Other names: c.1211A>C, p.Glu404Ala (NM_001288951.2); c.1109A>C, p.Glu370Ala (NM_001288953.2); c.149A>C, p.Glu50Ala (NM_001288955.2); short protein forms E370A, E50A, E404A.
Identifiers: ClinVar variation 2121501 (VCV002121501.4), dbSNP rs2466730461, ClinGen allele CA346714369.
Genomic context (GRCh38, chr2:47,006,648, plus strand): 5'-GCTGGGGTGGGAGGACCCCTGGTGGGTAAATGCTGACTATCTCCCCTCCCCAGTGCCTGG[A>C]GCGAGCCATGAAGTTTGCGTTTGGAGAATTTCACCTTTGGTACCAGGTGGCCCTCTCCAT-3'
Protein context (NP_065191.2, residues 394-414): GQYVMLSECL[Glu404Ala]RAMKFAFGEF